The following is an entry in ClinVar:

ClinVar aggregate classification (germline): Pathogenic. Review status: criteria provided, multiple submitters, no conflicts (2 of 4 stars). 2 submissions from 2 submitters: Pathogenic (2). Last evaluated 2025-12-03.

Conditions:
Nephronophthisis 4 (NPHP4). Also called: NEPHRONOPHTHISIS 4, JUVENILE. Identifiers: Orphanet 655, MedGen C1847013, MONDO:0011752, OMIM 606966.
Nephronophthisis. Also called: Juvenile Nephronophthisis. Identifiers: Orphanet 655, MedGen C0687120, MONDO:0019005, HP:0000090.

gnomAD v4.1: 13 of 1,613,540 alleles (0.00081%); highest among the groups gnomAD compares: Non-Finnish European, 0.0011%; no homozygotes.

Submissions (2):

Labcorp Genetics (formerly Invitae), Labcorp
Classification: Pathogenic for Nephronophthisis. Last evaluated: 2025-12-03. Review status: criteria provided, single submitter. Criteria: Invitae Variant Classification Sherloc (09022015). Collection method: clinical testing. Allele origin: germline.
Comment: This sequence change creates a premature translational stop signal (p.Glu1342*) in the NPHP4 gene. It is expected to result in an absent or disrupted protein product. Loss-of-function variants in NPHP4 are known to be pathogenic (PMID: 12205563, 23559409). This variant is present in population databases (rs769051741, gnomAD 0.0009%). This variant has not been reported in the literature in individuals affected with NPHP4-related conditions. For these reasons, this variant has been classified as Pathogenic.

Victorian Clinical Genetics Services, Murdoch Childrens Research Institute
Classification: Pathogenic for Nephronophthisis 4. Last evaluated: 2025-03-13. Review status: criteria provided, single submitter. Criteria: ACMG Guidelines, 2015. Collection method: clinical testing. Allele origin: germline. Affected: yes.
Comment: This variant is classified as Pathogenic. Evidence in support of pathogenic classification: Variant is predicted to cause nonsense-mediated decay (NMD) and loss of protein (premature termination codon is located at least 54 nucleotides upstream of the final exon-exon junction); Variant is present in gnomAD <0.01 for a recessive condition (v4: 13 heterozygote(s), 0 homozygote(s)); Other NMD-predicted variant(s) comparable to the one identified in this case have very strong previous evidence for pathogenicity (DECIPHER, ClinVar). Additional information: This variant is heterozygous; This gene is associated with autosomal recessive disease; Loss of function is a known mechanism of disease in this gene and is associated with nephronophthisis 4, and Senior-Loken syndrome 4 (MIM#606996); Inheritance information for this variant is not currently available in this individual.

Literature cited by the submitters: PubMed 12205563 (cited by Labcorp Genetics (formerly Invitae), Labcorp); PubMed 23559409 (cited by Labcorp Genetics (formerly Invitae), Labcorp).

NM_015102.5(NPHP4):c.4024G>T (p.Glu1342Ter)

Gene: NPHP4 (nephrocystin 4; minus strand). Cytogenetic location: 1p36.31.
Variant type: single nucleotide variant.
Coding change: c.4024G>T on transcript NM_015102.5 (MANE Select); coding-DNA position 4024, G replaced by T.
Protein change: p.Glu1342Ter; replaces glutamic acid 1342 with a stop codon.
Molecular consequence: nonsense. On other transcripts: non-coding transcript variant (1).
Genome position (GRCh38, 1-based): chr1:5,864,006, C>A on the plus strand (G>T on the coding strand, the complement: NPHP4 is on the minus strand). VCF-style: chr1-5864006-C-A. GRCh37 (hg19) VCF-style: chr1-5924066-C-A.
Other names: c.2485G>T, p.Glu829Ter (NM_001291593.2); c.2488G>T, p.Glu830Ter (NM_001291594.2); short protein forms E1342*, E829*, E830*.
Identifiers: ClinVar variation 4531512 (VCV004531512.2).